The following is an entry in ClinVar:

ClinVar aggregate classification (germline): Uncertain significance. Review status: criteria provided, multiple submitters, no conflicts (2 of 4 stars). 2 submissions from 2 submitters: Uncertain significance (2). Last evaluated 2025-02-28.

Conditions:
Hereditary cancer-predisposing syndrome. Also called: Hereditary Cancer Syndrome; Tumor predisposition; Hereditary neoplastic syndrome; Neoplastic Syndromes, Hereditary. Identifiers: Orphanet 140162, MedGen C0027672, MeSH D009386, MONDO:0015356.
Breast-ovarian cancer, familial, susceptibility to, 4. Identifiers: Orphanet 145, MedGen C3280345, MONDO:0013669, OMIM 614291.

Submissions (2):

Ambry Genetics
Classification: Uncertain significance for Hereditary cancer-predisposing syndrome. Last evaluated: 2025-02-28. Review status: criteria provided, single submitter. Criteria: Ambry Variant Classification Scheme 2023. Collection method: clinical testing. Allele origin: germline.
Comment: The p.T328A variant (also known as c.982A>G), located in coding exon 10 of the RAD51D gene, results from an A to G substitution at nucleotide position 982. The threonine at codon 328 is replaced by alanine, an amino acid with similar properties. This amino acid position is conserved. In addition, this alteration is predicted to be tolerated by in silico analysis. Based on the available evidence, the clinical significance of this variant remains unclear.

Labcorp Genetics (formerly Invitae), Labcorp
Classification: Uncertain significance for Breast-ovarian cancer, familial, susceptibility to, 4. Last evaluated: 2021-03-19. Review status: criteria provided, single submitter. Criteria: Invitae Variant Classification Sherloc (09022015). Collection method: clinical testing. Allele origin: germline.
Comment: In summary, the available evidence is currently insufficient to determine the role of this variant in disease. Therefore, it has been classified as a Variant of Uncertain Significance. Algorithms developed to predict the effect of missense changes on protein structure and function are either unavailable or do not agree on the potential impact of this missense change (SIFT: "Tolerated"; PolyPhen-2: "Possibly Damaging"; Align-GVGD: "Class C0"). This variant has not been reported in the literature in individuals with RAD51D-related conditions. This variant is not present in population databases (ExAC no frequency). This sequence change replaces threonine with alanine at codon 328 of the RAD51D protein (p.Thr328Ala). The threonine residue is weakly conserved and there is a small physicochemical difference between threonine and alanine.

NM_002878.4(RAD51D):c.982A>G (p.Thr328Ala)

Genes: RAD51L3-RFFL (RAD51L3-RFFL readthrough; minus strand), RAD51D (RAD51 paralog D; minus strand). Cytogenetic location: 17q12.
Variant type: single nucleotide variant.
Coding change: c.982A>G on transcript NM_002878.4 (MANE Select); coding-DNA position 982, A replaced by G.
Protein change: p.Thr328Ala; replaces threonine 328 with alanine.
Molecular consequence: missense variant. On other transcripts: non-coding transcript variant (2).
Genome position (GRCh38, 1-based): chr17:35,100,958, T>C on the plus strand (A>G on the coding strand, the complement: RAD51D is on the minus strand). VCF-style: chr17-35100958-T-C. GRCh37 (hg19) VCF-style: chr17-33427977-T-C.
Other names: c.982A>G (NM_002878.3); c.1042A>G, p.Thr348Ala (NM_001142571.2); c.646A>G, p.Thr216Ala (NM_133629.3); short protein forms T328A, T348A, T216A.
Identifiers: ClinVar variation 1407757 (VCV001407757.9), dbSNP rs2091527104, ClinGen allele CA399086030.